The following is an entry in ClinVar:

ClinVar aggregate classification (germline): Uncertain significance. Review status: criteria provided, multiple submitters, no conflicts (2 of 4 stars). 3 submissions from 3 submitters: Uncertain significance (3). Last evaluated 2025-09-14.

Conditions:
Hereditary cancer-predisposing syndrome. Also called: Tumor predisposition; Hereditary Cancer Syndrome; Hereditary neoplastic syndrome; Neoplastic Syndromes, Hereditary. Identifiers: Orphanet 140162, MedGen C0027672, MeSH D009386, MONDO:0015356.
Hereditary breast ovarian cancer syndrome. Also called: Hereditary breast and ovarian cancer; Hereditary breast and ovarian cancer syndrome; Breast and ovarian cancer; BRCA1- and BRCA2-Associated Hereditary Breast and Ovarian Cancer; Hereditary breast and/or ovarian cancer syndrome; Hereditary breast and ovarian cancer syndrome (HBOC). Identifiers: Orphanet 145, MedGen C0677776, MeSH D061325, MONDO:0003582. Disease mechanism: loss of function.

Allele frequency attached by ClinVar (database versions not stated): TOPMed 0.00001.

Submissions (3):

Labcorp Genetics (formerly Invitae), Labcorp
Classification: Uncertain significance for Hereditary breast ovarian cancer syndrome. Last evaluated: 2025-09-14. Review status: criteria provided, single submitter. Criteria: Invitae Variant Classification Sherloc (09022015). Collection method: clinical testing. Allele origin: germline.
Comment: This sequence change replaces glutamine, which is neutral and polar, with arginine, which is basic and polar, at codon 126 of the BRCA2 protein (p.Gln126Arg). This variant is not present in population databases (gnomAD no frequency). This variant has not been reported in the literature in individuals affected with BRCA2-related conditions. ClinVar contains an entry for this variant (Variation ID: 1441413). Invitae Evidence Modeling of protein sequence and biophysical properties (such as structural, functional, and spatial information, amino acid conservation, physicochemical variation, residue mobility, and thermodynamic stability) indicates that this missense variant is not expected to disrupt BRCA2 protein function with a negative predictive value of 95%. In summary, the available evidence is currently insufficient to determine the role of this variant in disease. Therefore, it has been classified as a Variant of Uncertain Significance.

Color Diagnostics, LLC DBA Color Health
Classification: Uncertain significance for Hereditary cancer-predisposing syndrome. Last evaluated: 2025-06-03. Review status: criteria provided, single submitter. Criteria: ACMG Guidelines, 2015. Collection method: clinical testing. Allele origin: germline.
Comment: This missense variant replaces glutamine with arginine at codon 126 of the BRCA2 protein. Computational prediction suggests that this variant may not impact protein structure and function. To our knowledge, functional studies have not been reported for this variant. This variant has not been reported in individuals affected with BRCA2-related disorders in the literature. This variant has not been identified in the general population by the Genome Aggregation Database (gnomAD). The available evidence is insufficient to determine the role of this variant in disease conclusively. Therefore, this variant is classified as a Variant of Uncertain Significance.

Ambry Genetics
Classification: Uncertain significance for Hereditary cancer-predisposing syndrome. Last evaluated: 2025-02-17. Review status: criteria provided, single submitter. Criteria: Ambry Variant Classification Scheme 2023. Collection method: clinical testing. Allele origin: germline.
Comment: The p.Q126R variant (also known as c.377A>G), located in coding exon 3 of the BRCA2 gene, results from an A to G substitution at nucleotide position 377. The glutamine at codon 126 is replaced by arginine, an amino acid with highly similar properties. This amino acid position is not well conserved in available vertebrate species. In addition, this alteration is predicted to be tolerated by in silico analysis. Based on the available evidence, the clinical significance of this variant remains unclear.

NM_000059.4(BRCA2):c.377A>G (p.Gln126Arg)

Gene: BRCA2 (BRCA2 DNA repair associated; plus strand). Cytogenetic location: 13q13.1.
Variant type: single nucleotide variant.
Coding change: c.377A>G on transcript NM_000059.4 (MANE Select); coding-DNA position 377, A replaced by G.
Protein change: p.Gln126Arg; replaces glutamine 126 with arginine.
Molecular consequence: missense variant.
Genome position (GRCh38, 1-based): chr13:32,325,136, A>G. VCF-style: chr13-32325136-A-G. GRCh37 (hg19) VCF-style: chr13-32899273-A-G.
Other names: short protein forms Q126R.
Identifiers: ClinVar variation 1441413 (VCV001441413.11), dbSNP rs944205640, ClinGen allele CA247487241.